The following is an entry in ClinVar:

NM_003079.5(SMARCE1):c.514A>C (p.Ser172Arg)

Gene: SMARCE1 (SWI/SNF related BAF chromatin remodeling complex subunit E1; minus strand). Cytogenetic location: 17q21.2.
Variant type: single nucleotide variant.
Coding change: c.514A>C on transcript NM_003079.5 (MANE Select); coding-DNA position 514, A replaced by C.
Protein change: p.Ser172Arg; replaces serine 172 with arginine.
Molecular consequence: missense variant.
Genome position (GRCh38, 1-based): chr17:40,635,958, T>G on the plus strand (A>C on the coding strand, the complement: SMARCE1 is on the minus strand). VCF-style: chr17-40635958-T-G. GRCh37 (hg19) VCF-style: chr17-38792210-T-G.
Other names: short protein forms S172R.
Identifiers: ClinVar variation 4743523 (VCV004743523.1).

ClinVar aggregate classification (germline): Uncertain significance (1 of 4 stars; one submission).

Conditions:
Familial meningioma. Also called: Meningioma, familial, susceptibility to. Identifiers: Orphanet 263662, MedGen C3551915, MONDO:0011789, OMIM 607174.

Submission:

Labcorp Genetics (formerly Invitae), Labcorp
Classification: Uncertain significance for Familial meningioma. Last evaluated: 2025-03-23. Review status: criteria provided, single submitter. Criteria: Invitae Variant Classification Sherloc (09022015). Collection method: clinical testing. Allele origin: germline.
Comment: This sequence change replaces serine, which is neutral and polar, with arginine, which is basic and polar, at codon 172 of the SMARCE1 protein (p.Ser172Arg). This variant is not present in population databases (gnomAD no frequency). This variant has not been reported in the literature in individuals affected with SMARCE1-related conditions. Invitae Evidence Modeling of protein sequence and biophysical properties (such as structural, functional, and spatial information, amino acid conservation, physicochemical variation, residue mobility, and thermodynamic stability) indicates that this missense variant is not expected to disrupt SMARCE1 protein function with a negative predictive value of 80%. In summary, the available evidence is currently insufficient to determine the role of this variant in disease. Therefore, it has been classified as a Variant of Uncertain Significance.